The following is an entry in ClinVar:

NM_015978.3(TNNI3K):c.1668-1G>A

Genes: FPGT-TNNI3K (FPGT-TNNI3K readthrough; plus strand), TNNI3K (TNNI3 interacting kinase; plus strand). Cytogenetic location: 1p31.1.
Variant type: single nucleotide variant.
Coding change: c.1668-1G>A on transcript NM_015978.3 (MANE Select); the canonical splice acceptor site of the intron before coding-DNA position 1668, G replaced by A.
Molecular consequence: splice acceptor variant.
Genome position (GRCh38, 1-based): chr1:74,370,287, G>A. VCF-style: chr1-74370287-G-A. GRCh37 (hg19) VCF-style: chr1-74835971-G-A.
Other names: c.1971-1G>A (NM_001112808.3, NM_001199327.2); c.1668-1G>A (NM_015978.2).
Identifiers: ClinVar variation 1519097 (VCV001519097.8), dbSNP rs759530518, ClinGen allele CA909368.

ClinVar aggregate classification (germline): Uncertain significance. Review status: criteria provided, multiple submitters, no conflicts (2 of 4 stars). 3 submissions from 3 submitters: Uncertain significance (3). Last evaluated 2025-05-26.

Conditions:
Cardiovascular phenotype. Identifiers: MedGen CN230736.

Allele frequency attached by ClinVar (database versions not stated): ExAC 0.00002; gnomAD exomes 0.00002.
gnomAD v4.1: 15 of 1,584,774 alleles (0.00095%); highest among the groups gnomAD compares: Middle Eastern, 0.017%; no homozygotes.

Submissions (3):

Labcorp Genetics (formerly Invitae), Labcorp
Classification: Uncertain significance. Last evaluated: 2025-05-26. Review status: criteria provided, single submitter. Criteria: Invitae Variant Classification Sherloc (09022015). Collection method: clinical testing. Allele origin: germline.
Comment: This sequence change affects an acceptor splice site in intron 16 of the TNNI3K gene. It is expected to disrupt RNA splicing. Variants that disrupt the donor or acceptor splice site typically lead to a loss of protein function (PMID: 16199547), however the current clinical and genetic evidence is not sufficient to establish whether loss-of-function variants in TNNI3K cause disease. This variant is present in population databases (rs759530518, gnomAD 0.004%). This variant has not been reported in the literature in individuals affected with TNNI3K-related conditions. ClinVar contains an entry for this variant (Variation ID: 1519097). Algorithms developed to predict the effect of sequence changes on RNA splicing suggest that this variant may disrupt the consensus splice site. In summary, the available evidence is currently insufficient to determine the role of this variant in disease. Therefore, it has been classified as a Variant of Uncertain Significance.

Molecular Diagnostic Laboratory for Inherited Cardiovascular Disease, Montreal Heart Institute
Classification: Uncertain significance for Cardiovascular phenotype. Last evaluated: 2025-04-09. Review status: criteria provided, single submitter. Criteria: ACMG Guidelines, 2015. Collection method: clinical testing. Allele origin: germline. Affected: yes.
Comment: PVS1_mod;PM2

Blueprint Genetics
Classification: Uncertain significance. Last evaluated: 2023-12-22. Review status: criteria provided, single submitter. Criteria: ACMG Guidelines, 2015. Collection method: clinical testing. Allele origin: germline.

Literature cited by the submitters: PubMed 16199547 (cited by Labcorp Genetics (formerly Invitae), Labcorp).